The following is an entry in ClinVar:

NM_001363118.2(SLC52A2):c.1277C>T (p.Pro426Leu)

Gene: SLC52A2 (solute carrier family 52 member 2; plus strand). Cytogenetic location: 8q24.3.
Variant type: single nucleotide variant.
Coding change: c.1277C>T on transcript NM_001363118.2 (MANE Select); coding-DNA position 1277, C replaced by T.
Protein change: p.Pro426Leu; replaces proline 426 with leucine.
Molecular consequence: missense variant. On other transcripts: non-coding transcript variant (1).
Genome position (GRCh38, 1-based): chr8:144,360,954, C>T. VCF-style: chr8-144360954-C-T. GRCh37 (hg19) VCF-style: chr8-145584614-C-T.
Other names: c.1277C>T, p.Pro426Leu (NM_001253815.2, NM_001253816.2, NM_001363120.2 and 2 more transcripts); c.785C>T, p.Pro262Leu (NM_001363122.2); c.1277C>T (NM_001253816.1); short protein forms P426L, P262L.
Identifiers: ClinVar variation 540436 (VCV000540436.13), dbSNP rs201673476, ClinGen allele CA4938458.

ClinVar aggregate classification (germline): Uncertain significance. Review status: criteria provided, multiple submitters, no conflicts (2 of 4 stars). 4 submissions from 4 submitters: Uncertain significance (4). Last evaluated 2026-04-08.

Conditions:
Inborn genetic diseases. Identifiers: MedGen C0950123, MeSH D030342.
Brown-Vialetto-van Laere syndrome 2. Also called: Riboflavin transporter deficiency type 2; SPINOCEREBELLAR ATAXIA WITH BLINDNESS AND DEAFNESS 2. Identifiers: Orphanet 572543, Orphanet 97229, MedGen C3553538, MONDO:0013867, OMIM 614707.
SLC52A2-related disorder. Also called: SLC52A2-related condition.

Allele frequency attached by ClinVar (database versions not stated): ExAC 0.00003; gnomAD exomes 0.00004 and 0.00005; gnomAD 0.00012 and 0.00013; TOPMed 0.00006.

Submissions (4):

PreventionGenetics, part of Exact Sciences
Classification: Uncertain significance for SLC52A2-related condition. Last evaluated: 2026-04-08. Review status: criteria provided, single submitter. Criteria: ACMG Guidelines, 2015. Collection method: clinical testing. Allele origin: germline.
Comment: The SLC52A2 c.1277C>T variant is predicted to result in the amino acid substitution p.Pro426Leu. To our knowledge, this variant has not been reported in the literature. This variant is reported in 0.020% of alleles in individuals of East Asian descent in gnomAD. At this time, the clinical significance of this variant is uncertain due to the absence of conclusive functional and genetic evidence.

GeneDx
Classification: Uncertain significance. Last evaluated: 2026-01-07. Review status: criteria provided, single submitter. Criteria: GeneDx Variant Classification Process June 2021. Collection method: clinical testing. Allele origin: germline. Affected: yes.
Comment: In silico analysis suggests that this missense variant does not alter protein structure/function; Has not been previously published as pathogenic or benign to our knowledge

Labcorp Genetics (formerly Invitae), Labcorp
Classification: Uncertain significance for Brown-Vialetto-van Laere syndrome 2. Last evaluated: 2022-10-25. Review status: criteria provided, single submitter. Criteria: Invitae Variant Classification Sherloc (09022015). Collection method: clinical testing. Allele origin: germline.
Comment: This sequence change replaces proline, which is neutral and non-polar, with leucine, which is neutral and non-polar, at codon 426 of the SLC52A2 protein (p.Pro426Leu). This variant is present in population databases (rs201673476, gnomAD 0.02%). This variant has not been reported in the literature in individuals affected with SLC52A2-related conditions. ClinVar contains an entry for this variant (Variation ID: 540436). Advanced modeling of protein sequence and biophysical properties (such as structural, functional, and spatial information, amino acid conservation, physicochemical variation, residue mobility, and thermodynamic stability) performed at Invitae indicates that this missense variant is not expected to disrupt SLC52A2 protein function. In summary, the available evidence is currently insufficient to determine the role of this variant in disease. Therefore, it has been classified as a Variant of Uncertain Significance.

Ambry Genetics
Classification: Uncertain significance for Inborn genetic diseases. Last evaluated: 2020-01-20. Review status: criteria provided, single submitter. Criteria: Ambry Variant Classification Scheme 2023. Collection method: clinical testing. Allele origin: germline.
Comment: The p.P426L variant (also known as c.1277C>T), located in coding exon 4 of the SLC52A2 gene, results from a C to T substitution at nucleotide position 1277. The proline at codon 426 is replaced by leucine, an amino acid with similar properties. This amino acid position is not well conserved in available vertebrate species, and leucine is the reference amino acid in other vertebrate species. In addition, this alteration is predicted to be tolerated by in silico analysis. Since supporting evidence is limited at this time, the clinical significance of this alteration remains unclear.